The following is an entry in ClinVar:

NM_001377137.1(GBF1):c.3314A>G (p.Lys1105Arg)

Gene: GBF1 (golgi brefeldin A resistant guanine nucleotide exchange factor 1; plus strand). Cytogenetic location: 10q24.32.
Variant type: single nucleotide variant.
Coding change: c.3314A>G on transcript NM_001377137.1 (MANE Select); coding-DNA position 3314, A replaced by G.
Protein change: p.Lys1105Arg; replaces lysine 1105 with arginine.
Molecular consequence: missense variant. On other transcripts: non-coding transcript variant (5).
Genome position (GRCh38, 1-based): chr10:102,369,959, A>G. VCF-style: chr10-102369959-A-G. GRCh37 (hg19) VCF-style: chr10-104129716-A-G.
Other names: c.3314A>G, p.Lys1105Arg (NM_001199378.2, NM_001391923.1); c.3311A>G, p.Lys1104Arg (NM_001199379.2, NM_001377141.1, NM_001391924.1 and 3 more transcripts); c.3275A>G, p.Lys1092Arg (NM_001377138.1, NM_001391925.1); c.3017A>G, p.Lys1006Arg (NM_001377139.1, NM_001377140.1); c.3410A>G, p.Lys1137Arg (NM_001391922.1, NM_001411027.1); c.3278A>G, p.Lys1093Arg (NM_001391926.1); c.3170A>G, p.Lys1057Arg (NM_001391928.1); c.3074A>G, p.Lys1025Arg (NM_001391929.1); and 2 more; short protein forms K1006R, K1092R, K1093R, K1057R, K1104R, K1137R, K1025R, K1105R.
Identifiers: ClinVar variation 3098857 (VCV003098857.13), dbSNP rs150255203, ClinGen allele CA5663734.
Genomic context (GRCh38, chr10:102,369,959, plus strand): 5'-CACTGAGTGGTCCTGAGCAGTCTAGTGTTCGGGGCCCATCCACTGAAAACCAAGAGGCCA[A>G]GAGAGTGGCCTTAGAGTGTATAAAGGTAACTGCCCATCCACCCCTGGTGAGAAAGCCTAA-3'
Protein context (NP_001364066.1, residues 1095-1115): RGPSTENQEA[Lys1105Arg]RVALECIKQC

ClinVar aggregate classification (germline): Conflicting classifications of pathogenicity. Review status: criteria provided, conflicting classifications (1 of 4 stars). 3 submissions from 3 submitters: Uncertain significance (1); Benign (1); Likely benign (1). Last evaluated 2026-09-01.

Conditions:
GBF1-related disorder. Also called: GBF1-related condition.

Allele frequency attached by ClinVar (database versions not stated): gnomAD exomes 0.00025; ExAC 0.00034; TOPMed 0.00034; ESP Exome Variant Server 0.00023; gnomAD 0.00035.
gnomAD v4.1: 419 of 1,614,118 alleles (0.026%); highest among the groups gnomAD compares: Non-Finnish European, 0.034%; 1 homozygote.

Submissions (3):

CeGaT Center for Human Genetics Tuebingen
Classification: Benign. Last evaluated: 2026-09-01. Review status: criteria provided, single submitter. Criteria: CeGaT Center For Human Genetics Tuebingen Variant Classification Criteria Version 2. Collection method: clinical testing. Allele origin: germline. Affected: yes. Observed: 3 variant alleles.
Comment: GBF1: BP4, BS1, BS2

PreventionGenetics, part of Exact Sciences
Classification: Likely benign for GBF1-related condition. Last evaluated: 2025-06-04. Review status: criteria provided, single submitter. Criteria: ACMG Guidelines, 2015. Collection method: clinical testing. Allele origin: germline.
Comment: This variant is classified as likely benign based on ACMG/AMP sequence variant interpretation guidelines (Richards et al. 2015 PMID: 25741868, with internal and published modifications).

Ambry Genetics
Classification: Uncertain significance. Last evaluated: 2025-01-07. Review status: criteria provided, single submitter. Criteria: Ambry Variant Classification Scheme 2023. Collection method: clinical testing. Allele origin: germline.